The following is an entry in ClinVar:

NM_172107.4(KCNQ2):c.1946G>A (p.Gly649Asp)

Gene: KCNQ2 (potassium voltage-gated channel subfamily Q member 2; minus strand). Cytogenetic location: 20q13.33.
Variant type: single nucleotide variant.
Coding change: c.1946G>A on transcript NM_172107.4 (MANE Select); coding-DNA position 1946, G replaced by A.
Protein change: p.Gly649Asp; replaces glycine 649 with aspartic acid.
Molecular consequence: missense variant.
Genome position (GRCh38, 1-based): chr20:63,407,317, C>T on the plus strand (G>A on the coding strand, the complement: KCNQ2 is on the minus strand). VCF-style: chr20-63407317-C-T. GRCh37 (hg19) VCF-style: chr20-62038670-C-T.
Other names: c.1862G>A, p.Gly621Asp (NM_004518.6); c.1892G>A, p.Gly631Asp (NM_172106.3); c.1853G>A, p.Gly618Asp (NM_172108.5); short protein forms G649D, G621D, G631D, G618D.
Identifiers: ClinVar variation 2719254 (VCV002719254.4), dbSNP rs200124638, ClinGen allele CA315510.

ClinVar aggregate classification (germline): Uncertain significance. Review status: criteria provided, multiple submitters, no conflicts (2 of 4 stars). 2 submissions from 2 submitters: Uncertain significance (2). Last evaluated 2025-08-27.

Conditions:
Inborn genetic diseases. Identifiers: MedGen C0950123, MeSH D030342.
Early-infantile DEE. Also called: Early infantile epileptic encephalopathy; Early infantile epileptic encephalopathy with suppression bursts; Ohtahara syndrome. Identifiers: Orphanet 1934, MedGen C0393706, MONDO:0800491.

Allele frequency attached by ClinVar (database versions not stated): gnomAD exomes below 0.00001.
gnomAD v4.1: 3 of 1,596,484 alleles (0.00019%); highest among the groups gnomAD compares: East Asian, 0.0022%; no homozygotes.

Submissions (2):

Ambry Genetics
Classification: Uncertain significance for Inborn genetic diseases. Last evaluated: 2025-08-27. Review status: criteria provided, single submitter. Criteria: Ambry Variant Classification Scheme 2023. Collection method: clinical testing. Allele origin: germline.

Labcorp Genetics (formerly Invitae), Labcorp
Classification: Uncertain significance for Early-infantile DEE. Last evaluated: 2024-06-09. Review status: criteria provided, single submitter. Criteria: Invitae Variant Classification Sherloc (09022015). Collection method: clinical testing. Allele origin: germline.
Comment: This sequence change replaces glycine, which is neutral and non-polar, with aspartic acid, which is acidic and polar, at codon 649 of the KCNQ2 protein (p.Gly649Asp). This variant is present in population databases (no rsID available, gnomAD 0.006%). This variant has not been reported in the literature in individuals affected with KCNQ2-related conditions. An algorithm developed to predict the effect of missense changes on protein structure and function (PolyPhen-2) suggests that this variant is likely to be disruptive. In summary, the available evidence is currently insufficient to determine the role of this variant in disease. Therefore, it has been classified as a Variant of Uncertain Significance.